The following is an entry in ClinVar:

NM_000301.5(PLG):c.428C>G (p.Pro143Arg)

Gene: PLG (plasminogen; plus strand). Cytogenetic location: 6q26.
Variant type: single nucleotide variant.
Coding change: c.428C>G on transcript NM_000301.5 (MANE Select); coding-DNA position 428, C replaced by G.
Protein change: p.Pro143Arg; replaces proline 143 with arginine.
Molecular consequence: missense variant.
Genome position (GRCh38, 1-based): chr6:160,713,006, C>G. VCF-style: chr6-160713006-C-G. GRCh37 (hg19) VCF-style: chr6-161134038-C-G.
Other names: short protein forms P143R.
Identifiers: ClinVar variation 1961313 (VCV001961313.5), dbSNP rs756944864, ClinGen allele CA366361639.

ClinVar aggregate classification (germline): Uncertain significance (1 of 4 stars; one submission).

Submission:

Labcorp Genetics (formerly Invitae), Labcorp
Classification: Uncertain significance. Last evaluated: 2024-10-09. Review status: criteria provided, single submitter. Criteria: Invitae Variant Classification Sherloc (09022015). Collection method: clinical testing. Allele origin: germline.
Comment: This sequence change replaces proline, which is neutral and non-polar, with arginine, which is basic and polar, at codon 143 of the PLG protein (p.Pro143Arg). This variant is not present in population databases (gnomAD no frequency). This variant has not been reported in the literature in individuals affected with PLG-related conditions. ClinVar contains an entry for this variant (Variation ID: 1961313). An algorithm developed to predict the effect of missense changes on protein structure and function (PolyPhen-2) suggests that this variant is likely to be disruptive. In summary, the available evidence is currently insufficient to determine the role of this variant in disease. Therefore, it has been classified as a Variant of Uncertain Significance.